The following is an entry in ClinVar:

NM_000135.4(FANCA):c.3680C>G (p.Ala1227Gly)

Gene: FANCA (FA complementation group A; minus strand). Cytogenetic location: 16q24.3.
Variant type: single nucleotide variant.
Coding change: c.3680C>G on transcript NM_000135.4 (MANE Select); coding-DNA position 3680, C replaced by G.
Protein change: p.Ala1227Gly; replaces alanine 1227 with glycine.
Molecular consequence: missense variant.
Genome position (GRCh38, 1-based): chr16:89,742,885, G>C on the plus strand (C>G on the coding strand, the complement: FANCA is on the minus strand). VCF-style: chr16-89742885-G-C. GRCh37 (hg19) VCF-style: chr16-89809293-G-C.
Other names: c.3680C>G, p.Ala1227Gly (NM_001286167.3); short protein forms A1227G.
Identifiers: ClinVar variation 3608616 (VCV003608616.3).
Genomic context (GRCh38, chr16:89,742,885, plus strand): 5'-TTTAGCTGCTTCCTGATGTTTTCTTCCCTGACTTGTTGAATCGCAAAGTGCAGTGCAGCA[G>C]CTGAGAGCCAGTCCGGGTTGGGTGCTGGGGAGGCAGCCTCAGGGGAGAGGAAACTGGGAC-3'
Protein context (NP_000126.2, residues 1217-1237): SPAPNPDWLS[Ala1227Gly]AALHFAIQQV

ClinVar aggregate classification (germline): Uncertain significance. Review status: criteria provided, multiple submitters, no conflicts (2 of 4 stars). 2 submissions from 2 submitters: Uncertain significance (2). Last evaluated 2025-06-05.

Conditions:
Fanconi anemia (FA). Also called: Fanconi's anemia. Identifiers: Orphanet 84, MedGen C0015625, MeSH D005199, MONDO:0019391.
Inborn genetic diseases. Identifiers: MedGen C0950123, MeSH D030342.

gnomAD v4.1: 1 of 1,614,068 alleles (0.000062%); highest among the groups gnomAD compares: Non-Finnish European, 0.000085%; no homozygotes.

Submissions (2):

Ambry Genetics
Classification: Uncertain significance for Inborn genetic diseases. Last evaluated: 2025-06-05. Review status: criteria provided, single submitter. Criteria: Ambry Variant Classification Scheme 2023. Collection method: clinical testing. Allele origin: germline.
Comment: The p.A1227G variant (also known as c.3680C>G), located in coding exon 37 of the FANCA gene, results from a C to G substitution at nucleotide position 3680. The alanine at codon 1227 is replaced by glycine, an amino acid with similar properties. This amino acid position is conserved. In addition, the in silico prediction for this alteration is inconclusive. Based on the available evidence, the clinical significance of this variant remains unclear.

Labcorp Genetics (formerly Invitae), Labcorp
Classification: Uncertain significance for Fanconi anemia. Last evaluated: 2024-10-28. Review status: criteria provided, single submitter. Criteria: Invitae Variant Classification Sherloc (09022015). Collection method: clinical testing. Allele origin: germline.
Comment: This sequence change replaces alanine, which is neutral and non-polar, with glycine, which is neutral and non-polar, at codon 1227 of the FANCA protein (p.Ala1227Gly). This variant is not present in population databases (gnomAD no frequency). This variant has not been reported in the literature in individuals affected with FANCA-related conditions. Invitae Evidence Modeling of protein sequence and biophysical properties (such as structural, functional, and spatial information, amino acid conservation, physicochemical variation, residue mobility, and thermodynamic stability) indicates that this missense variant is not expected to disrupt FANCA protein function with a negative predictive value of 95%. This variant disrupts the p.Ala1227 amino acid residue in FANCA. Other variant(s) that disrupt this residue have been observed in individuals with FANCA-related conditions (PMID: 26799702; internal data), which suggests that this may be a clinically significant amino acid residue. In summary, the available evidence is currently insufficient to determine the role of this variant in disease. Therefore, it has been classified as a Variant of Uncertain Significance.

Literature cited by the submitters: PubMed 26799702 (cited by Labcorp Genetics (formerly Invitae), Labcorp).